The following is an entry in ClinVar:

ClinVar aggregate classification (germline): Likely benign (1 of 4 stars; one submission).

gnomAD v4.1: 1 of 1,613,970 alleles (0.000062%); highest among the groups gnomAD compares: Non-Finnish European, 0.000085%; no homozygotes.

Submission:

CeGaT Center for Human Genetics Tuebingen
Classification: Likely benign. Last evaluated: 2025-08-01. Review status: criteria provided, single submitter. Criteria: CeGaT Center For Human Genetics Tuebingen Variant Classification Criteria Version 2. Collection method: clinical testing. Allele origin: germline. Affected: yes. Observed: 1 variant allele.
Comment: OMG: BP4, BP7

NM_002544.5(OMG):c.291A>G (p.Leu97=)

Genes: OMG (oligodendrocyte myelin glycoprotein; minus strand), NF1 (neurofibromin 1; plus strand). Cytogenetic location: 17q11.2.
Variant type: single nucleotide variant.
Coding change: c.291A>G on transcript NM_002544.5 (MANE Select); coding-DNA position 291, A replaced by G.
Protein change: p.Leu97=; no amino-acid change (leucine 97 retained).
Molecular consequence: synonymous variant. On other transcripts: intron variant (2).
Genome position (GRCh38, 1-based): chr17:31,296,041, T>C on the plus strand (A>G on the coding strand, the complement: OMG is on the minus strand). VCF-style: chr17-31296041-T-C. GRCh37 (hg19) VCF-style: chr17-29623059-T-C.
Other names: c.4836-29779T>C (NM_001042492.3); c.4773-29779T>C (NM_000267.4).
Identifiers: ClinVar variation 4085772 (VCV004085772.8).
Genomic context (GRCh38, chr17:31,296,041, plus strand): 5'-AGATTTGTCAAGAAGTTTAATGTTGTTGTTAGCAGCAGACATGTTCCACAGAGACCGAGG[T>C]AAGTGAGCAGGCAGGCTTTCAAGCCTGTTGTTTGAAATGTCCAGGGTCCTCAGATTGGTA-3'
Protein context (NP_002535.3, residues 87-107): NNRLESLPAH[Leu97=]PRSLWNMSAA